The following is an entry in ClinVar:

NM_020117.11(LARS1):c.2149-152G>A

Gene: LARS1 (leucyl-tRNA synthetase 1; minus strand). Cytogenetic location: 5q32.
Variant type: single nucleotide variant.
Coding change: c.2149-152G>A on transcript NM_020117.11 (MANE Select); 152 bases into the intron before coding-DNA position 2149, G replaced by A.
Molecular consequence: intron variant.
Genome position (GRCh38, 1-based): chr5:146,135,816, C>T on the plus strand (G>A on the coding strand, the complement: LARS1 is on the minus strand). VCF-style: chr5-146135816-C-T. GRCh37 (hg19) VCF-style: chr5-145515379-C-T.
Other names: c.1987-152G>A (NM_001317965.2); c.2068-152G>A (NM_016460.4); c.2011-152G>A (NM_001317964.2).
Identifiers: ClinVar variation 671557 (VCV000671557.1), dbSNP rs2963919, ClinGen allele CA12012255.

ClinVar aggregate classification (germline): Benign (1 of 4 stars; one submission).

Allele frequency attached by ClinVar (database versions not stated): TOPMed 0.64521; gnomAD 0.65668; 1000 Genomes Project 30x 0.70721; 1000 Genomes Project 0.71326.
gnomAD v4.1: 368,080 of 559,954 alleles (66%); highest among the groups gnomAD compares: South Asian, 78%; 122,664 homozygotes.

Submission:

GeneDx
Classification: Benign. Last evaluated: 2018-06-14. Review status: criteria provided, single submitter. Criteria: GeneDx Variant Classification (06012015). Collection method: clinical testing. Allele origin: germline. Affected: yes.
Comment: This variant is considered likely benign or benign based on one or more of the following criteria: it is a conservative change, it occurs at a poorly conserved position in the protein, it is predicted to be benign by multiple in silico algorithms, and/or has population frequency not consistent with disease.